The following is an entry in ClinVar:

ClinVar aggregate classification (germline): Uncertain significance. Review status: criteria provided, multiple submitters, no conflicts (2 of 4 stars). 4 submissions from 4 submitters: Uncertain significance (4). Last evaluated 2026-05-11.

Conditions:
KLF11-related disorder. Also called: KLF11-related condition.
Maturity-onset diabetes of the young type 7 (MODY7). Identifiers: Orphanet 552, MedGen C1864839, MONDO:0012513, OMIM 610508.

Allele frequency attached by ClinVar (database versions not stated): gnomAD exomes 0.00004 and 0.00008; gnomAD 0.00005; ExAC 0.00007; TOPMed 0.00007; 1000 Genomes Project 30x 0.00016; 1000 Genomes Project 0.00020.

Submissions (4):

PreventionGenetics, part of Exact Sciences
Classification: Uncertain significance for KLF11-related condition. Last evaluated: 2026-05-11. Review status: criteria provided, single submitter. Criteria: ACMG Guidelines, 2015. Collection method: clinical testing. Allele origin: germline.
Comment: The KLF11 c.1169G>A variant is predicted to result in the amino acid substitution p.Arg390Gln. This variant has been reported in a cohort study of targeted sequencing for patients with dyslipidemias (Supp. Tables 4, Dron et al. 2020. PubMed ID: 32041611). This variant is reported in 0.048% of alleles in individuals of Latino descent in gnomAD. At this time, the clinical significance of this variant is uncertain due to the absence of conclusive functional and genetic evidence.

Labcorp Genetics (formerly Invitae), Labcorp
Classification: Uncertain significance. Last evaluated: 2024-10-17. Review status: criteria provided, single submitter. Criteria: Invitae Variant Classification Sherloc (09022015). Collection method: clinical testing. Allele origin: germline.
Comment: This sequence change replaces arginine, which is basic and polar, with glutamine, which is neutral and polar, at codon 390 of the KLF11 protein (p.Arg390Gln). This variant is present in population databases (rs563767876, gnomAD 0.04%), and has an allele count higher than expected for a pathogenic variant. This variant has not been reported in the literature in individuals affected with KLF11-related conditions. ClinVar contains an entry for this variant (Variation ID: 330639). An algorithm developed to predict the effect of missense changes on protein structure and function (PolyPhen-2) suggests that this variant is likely to be disruptive. In summary, the available evidence is currently insufficient to determine the role of this variant in disease. Therefore, it has been classified as a Variant of Uncertain Significance.

Fulgent Genetics
Classification: Uncertain significance for Maturity-onset diabetes of the young type 7. Last evaluated: 2022-04-09. Review status: criteria provided, single submitter. Criteria: ACMG Guidelines, 2015. Collection method: clinical testing. Allele origin: unknown.

Illumina Laboratory Services, Illumina
Classification: Uncertain significance for Maturity-onset diabetes of the young type 7. Last evaluated: 2018-01-12. Review status: criteria provided, single submitter. Criteria: ICSL Variant Classification Criteria 13 December 2019. Collection method: clinical testing. Allele origin: germline.

NM_003597.5(KLF11):c.1169G>A (p.Arg390Gln)

Gene: KLF11 (KLF transcription factor 11; plus strand). Cytogenetic location: 2p25.1.
Variant type: single nucleotide variant.
Coding change: c.1169G>A on transcript NM_003597.5 (MANE Select); coding-DNA position 1169, G replaced by A.
Protein change: p.Arg390Gln; replaces arginine 390 with glutamine.
Molecular consequence: missense variant.
Genome position (GRCh38, 1-based): chr2:10,048,506, G>A. VCF-style: chr2-10048506-G-A. GRCh37 (hg19) VCF-style: chr2-10188633-G-A.
Other names: c.1118G>A, p.Arg373Gln (NM_001177716.2, NM_001177718.2); short protein forms R390Q, R373Q.
Identifiers: ClinVar variation 330639 (VCV000330639.9), dbSNP rs563767876, ClinGen allele CA1525705.
Genomic context (GRCh38, chr2:10,048,506, plus strand): 5'-CCCCTGCTCCAGTGTTCATCACCTCTAGCCAAAACTGTGTCCCTCAGGTAGACTTTTCCC[G>A]AAGGAGGAACTATGTATGCAGCTTCCCAGGTTGCCGGAAGACCTACTTCAAAAGTTCCCA-3'
Protein context (NP_003588.1, residues 380-400): QNCVPQVDFS[Arg390Gln]RRNYVCSFPG